The following is an entry in ClinVar:

NM_138272.3(MPIG6B):c.518C>A (p.Pro173Gln)

Gene: MPIG6B (megakaryocyte and platelet inhibitory receptor G6b; plus strand). Cytogenetic location: 6p21.33.
Variant type: single nucleotide variant.
Coding change: c.518C>A on transcript NM_138272.3 (MANE Select); coding-DNA position 518, C replaced by A.
Protein change: p.Pro173Gln; replaces proline 173 with glutamine.
Molecular consequence: missense variant. On other transcripts: synonymous variant (1), intron variant (2).
Genome position (GRCh38, 1-based): chr6:31,724,604, C>A. VCF-style: chr6-31724604-C-A. GRCh37 (hg19) VCF-style: chr6-31692381-C-A.
Other names: p.Pro173Gln; c.518C>A, p.Pro173Gln (NM_025260.4, NM_138277.3); c.427C>A, p.Arg143= (NM_138273.3); c.410-142C>A (NM_138274.3); c.410-161C>A (NM_138275.3); short protein forms P173Q.
Identifiers: ClinVar variation 1028384 (VCV001028384.7), dbSNP rs530881306, ClinGen allele CA3720394.

ClinVar aggregate classification (germline): Conflicting classifications of pathogenicity. Review status: criteria provided, conflicting classifications (1 of 4 stars). 5 submissions from 5 submitters: Uncertain significance (4); Likely benign (1). Last evaluated 2025-02-04.

Conditions:
Thrombocytopenia, anemia, and myelofibrosis (THAMY). Identifiers: MedGen C4479504, MONDO:0044316, OMIM 617441.

Allele frequency attached by ClinVar (database versions not stated): TOPMed 0.00012.

Submissions (5):

Mayo Clinic Laboratories, Mayo Clinic
Classification: Uncertain significance. Last evaluated: 2025-02-04. Review status: criteria provided, single submitter. Criteria: ACMG Guidelines, 2015. Collection method: clinical testing. Allele origin: germline. Observed: 2 variant alleles.
Comment: BP4_moderate

Blueprint Genetics
Classification: Likely benign. Last evaluated: 2024-11-12. Review status: criteria provided, single submitter. Criteria: ACMG Guidelines, 2015. Collection method: clinical testing. Allele origin: germline.

Genomic Medicine Center of Excellence, King Faisal Specialist Hospital and Research Centre
Classification: Uncertain significance for Thrombocytopenia, anemia, and myelofibrosis. Last evaluated: 2024-03-25. Review status: criteria provided, single submitter. Criteria: ACMG Guidelines, 2015. Collection method: research. Allele origin: germline.

Baylor Genetics
Classification: Uncertain significance for Thrombocytopenia, anemia, and myelofibrosis. Last evaluated: 2019-12-02. Review status: criteria provided, single submitter. Criteria: ACMG Guidelines, 2015. Collection method: clinical testing. Allele origin: unknown. Affected: yes.
Comment: This variant was determined to be of uncertain significance according to ACMG Guidelines, 2015 [PMID:25741868].

Breakthrough Genomics
Classification: Uncertain significance. Review status: criteria provided, single submitter. Criteria: ACMG Guidelines, 2015. Collection method: not provided. Allele origin: germline. Inheritance: Autosomal recessive inheritance. Affected: yes.